The following is an entry in ClinVar:

NM_032043.3(BRIP1):c.2629G>C (p.Ala877Pro)

Gene: BRIP1 (BRCA1 interacting DNA helicase 1; minus strand). Cytogenetic location: 17q23.2.
Variant type: single nucleotide variant.
Coding change: c.2629G>C on transcript NM_032043.3 (MANE Select); coding-DNA position 2629, G replaced by C.
Protein change: p.Ala877Pro; replaces alanine 877 with proline.
Molecular consequence: missense variant.
Genome position (GRCh38, 1-based): chr17:61,686,112, C>G on the plus strand (G>C on the coding strand, the complement: BRIP1 is on the minus strand). VCF-style: chr17-61686112-C-G. GRCh37 (hg19) VCF-style: chr17-59763473-C-G.
Other names: short protein forms A877P.
Identifiers: ClinVar variation 569928 (VCV000569928.9), dbSNP rs1567731966, ClinGen allele CA400481908.

ClinVar aggregate classification (germline): Uncertain significance. Review status: criteria provided, multiple submitters, no conflicts (2 of 4 stars). 2 submissions from 2 submitters: Uncertain significance (2). Last evaluated 2024-05-14.

Conditions:
Fanconi anemia complementation group J. Also called: BRIP1-Related Fanconi Anemia. Identifiers: Orphanet 84, MedGen C1836860, MONDO:0012187, OMIM 609054.
Familial cancer of breast. Also called: BREAST CANCER, FAMILIAL; hereditary breast carcinoma; Hereditary breast cancer. Identifiers: Orphanet 227535, MedGen C0346153, MONDO:0016419, OMIM 114480. Disease mechanism: loss of function.
Hereditary cancer-predisposing syndrome. Also called: Hereditary neoplastic syndrome; Neoplastic Syndromes, Hereditary; Hereditary Cancer Syndrome; Tumor predisposition. Identifiers: Orphanet 140162, MedGen C0027672, MeSH D009386, MONDO:0015356.

Allele frequency attached by ClinVar (database versions not stated): gnomAD exomes below 0.00001.
gnomAD v4.1: 1 of 1,614,078 alleles (0.000062%); highest among the groups gnomAD compares: African/African-American, 0.0013%; no homozygotes.

Submissions (2):

Labcorp Genetics (formerly Invitae), Labcorp
Classification: Uncertain significance for Familial cancer of breast; Fanconi anemia complementation group J. Last evaluated: 2024-05-14. Review status: criteria provided, single submitter. Criteria: Invitae Variant Classification Sherloc (09022015). Collection method: clinical testing. Allele origin: germline.
Comment: This sequence change replaces alanine, which is neutral and non-polar, with proline, which is neutral and non-polar, at codon 877 of the BRIP1 protein (p.Ala877Pro). This variant is not present in population databases (gnomAD no frequency). This variant has not been reported in the literature in individuals affected with BRIP1-related conditions. ClinVar contains an entry for this variant (Variation ID: 569928). Advanced modeling of protein sequence and biophysical properties (such as structural, functional, and spatial information, amino acid conservation, physicochemical variation, residue mobility, and thermodynamic stability) performed at Invitae indicates that this missense variant is expected to disrupt BRIP1 protein function with a positive predictive value of 80%. In summary, the available evidence is currently insufficient to determine the role of this variant in disease. Therefore, it has been classified as a Variant of Uncertain Significance.

Ambry Genetics
Classification: Uncertain significance for Hereditary cancer-predisposing syndrome. Last evaluated: 2023-11-01. Review status: criteria provided, single submitter. Criteria: Ambry Variant Classification Scheme 2023. Collection method: clinical testing. Allele origin: germline.
Comment: The p.A877P variant (also known as c.2629G>C), located in coding exon 18 of the BRIP1 gene, results from a G to C substitution at nucleotide position 2629. The alanine at codon 877 is replaced by proline, an amino acid with highly similar properties. This amino acid position is conserved. In addition, this alteration is predicted to be deleterious by in silico analysis. Since supporting evidence is limited at this time, the clinical significance of this alteration remains unclear.